The following is an entry in ClinVar:

NM_004415.4(DSP):c.4996C>T (p.Arg1666Trp)

Gene: DSP (desmoplakin; plus strand). Cytogenetic location: 6p24.3.
Variant type: single nucleotide variant.
Coding change: c.4996C>T on transcript NM_004415.4 (MANE Select); coding-DNA position 4996, C replaced by T.
Protein change: p.Arg1666Trp; replaces arginine 1666 with tryptophan.
Molecular consequence: missense variant. On other transcripts: intron variant (2).
Genome position (GRCh38, 1-based): chr6:7,581,186, C>T. VCF-style: chr6-7581186-C-T. GRCh37 (hg19) VCF-style: chr6-7581419-C-T.
Other names: c.4050+946C>T (NM_001319034.2); c.3582+1414C>T (NM_001008844.3); c.4996C>T (NM_004415.3); short protein forms R1666W.
Identifiers: ClinVar variation 922908 (VCV000922908.16), dbSNP rs758312365, ClinGen allele CA043571.

ClinVar aggregate classification (germline): Conflicting classifications of pathogenicity. Review status: criteria provided, conflicting classifications (1 of 4 stars). 6 submissions from 6 submitters: Uncertain significance (5); Likely benign (1). Last evaluated 2026-04-02.

Conditions:
Cardiovascular phenotype. Identifiers: MedGen CN230736.
Cardiomyopathy (CMYO). Also called: Cardiomyopathies. Identifiers: Orphanet 167848, MedGen C0878544, MONDO:0004994, HP:0001638. Inheritance: Various modes of inheritance.
DSP-related disorder. Also called: DSP-related condition; DSP-related disorders.
Arrhythmogenic cardiomyopathy with wooly hair and keratoderma. Also called: PALMOPLANTAR KERATODERMA WITH LEFT VENTRICULAR CARDIOMYOPATHY AND WOOLLY HAIR; Carvajal syndrome; Dilated cardiomyopathy with woolly hair and keratoderma; Arrhythmogenic cardiomyopathy with woolly hair and keratoderma. Identifiers: Orphanet 65282, MedGen C1854063, MONDO:0011581, OMIM 605676.
Arrhythmogenic right ventricular dysplasia 8 (ARVD8). Also called: Arrhythmogenic Right Ventricular Dysplasia/Cardiomyopathy 8; ARRHYTHMOGENIC RIGHT VENTRICULAR CARDIOMYOPATHY 8; ARRHYTHMOGENIC RIGHT VENTRICULAR DYSPLASIA, FAMILIAL, 8. Identifiers: MedGen C1843896, MONDO:0011831, OMIM 607450.

Allele frequency attached by ClinVar (database versions not stated): TOPMed 0.00002; gnomAD 0.00004; gnomAD exomes 0.00005; ExAC 0.00007.
gnomAD v4.1: 53 of 1,614,014 alleles (0.0033%); highest among the groups gnomAD compares: South Asian, 0.0044%; no homozygotes.

Submissions (6):

PreventionGenetics, part of Exact Sciences
Classification: Uncertain significance for DSP-related condition. Last evaluated: 2026-04-02. Review status: criteria provided, single submitter. Criteria: ACMG Guidelines, 2015. Collection method: clinical testing. Allele origin: germline.
Comment: The DSP c.4996C>T variant is predicted to result in the amino acid substitution p.Arg1666Trp. This variant has been reported in an individual with arrhythmogenic right ventricular cardiomyopathy/dysplasia (Table S1A, Walsh et al. 2017. PubMed ID: 27532257). This variant has also been reported in an individual with dilated cardiomyopathy; however, this individual also carried a TTN frameshift variant which could explain the clinical feature (Saito et al. 2021. PubMed ID: 34486814). This variant is reported in 0.024% of alleles in individuals of European (Finnish) descent in gnomAD. At this time, the clinical significance of this variant is uncertain due to the absence of conclusive functional and genetic evidence.

Labcorp Genetics (formerly Invitae), Labcorp
Classification: Likely benign for Arrhythmogenic cardiomyopathy with wooly hair and keratoderma; Arrhythmogenic right ventricular dysplasia 8. Last evaluated: 2025-12-10. Review status: criteria provided, single submitter. Criteria: Invitae Variant Classification Sherloc (09022015). Collection method: clinical testing. Allele origin: germline.

GeneDx
Classification: Uncertain significance. Last evaluated: 2025-05-28. Review status: criteria provided, single submitter. Criteria: GeneDx Variant Classification Process June 2021. Collection method: clinical testing. Allele origin: germline. Affected: yes.
Comment: Identified in association with ARVC in published literature (PMID: 27532257); In silico analysis supports that this missense variant has a deleterious effect on protein structure/function; This variant is associated with the following publications: (PMID: 37937776, 31402444, 27532257)

All of Us Research Program, National Institutes of Health
Classification: Uncertain significance for Arrhythmogenic cardiomyopathy with wooly hair and keratoderma. Last evaluated: 2024-09-23. Review status: criteria provided, single submitter. Criteria: ACMG Guidelines, 2015. Collection method: clinical testing. Allele origin: germline. Inheritance: Autosomal dominant inheritance. Observed: 7 variant alleles, 7 heterozygotes.
Comment: This missense variant replaces arginine with tryptophan at codon 1666 of the DSP protein. Computational prediction suggests that this variant may not impact protein structure and function (internally defined REVEL score threshold <= 0.5, PMID: 27666373). To our knowledge, functional studies have not been reported for this variant. This variant has been reported in an individual affected with dilated cardiomyopathy, who also had a truncation variant in the TTN gene that could explain the observed phenotype (PMID: 34486814). This variant has been identified in 15/282078 chromosomes in the general population by the Genome Aggregation Database (gnomAD). The available evidence is insufficient to determine the role of this variant in disease conclusively. Therefore, this variant is classified as a Variant of Uncertain Significance.

This study involves interpretation of variants in research participants for the purpose of population health screening. Participant phenotype was not available at the time of variant classification. Additional details can be found in publication PMID: 35346344, PMCID: PMC8962531

Color Diagnostics, LLC DBA Color Health
Classification: Uncertain significance for Cardiomyopathy. Last evaluated: 2024-03-07. Review status: criteria provided, single submitter. Criteria: ACMG Guidelines, 2015. Collection method: clinical testing. Allele origin: germline.
Comment: This missense variant replaces arginine with tryptophan at codon 1666 of the DSP protein. Computational prediction suggests that this variant may not impact protein structure and function (internally defined REVEL score threshold <= 0.5, PMID: 27666373). To our knowledge, functional studies have not been reported for this variant. This variant has been reported in an individual affected with dilated cardiomyopathy, who also had a truncation variant in the TTN gene that could explain the observed phenotype (PMID: 34486814). This variant has been identified in 15/282078 chromosomes in the general population by the Genome Aggregation Database (gnomAD). The available evidence is insufficient to determine the role of this variant in disease conclusively. Therefore, this variant is classified as a Variant of Uncertain Significance.

Ambry Genetics
Classification: Uncertain significance for Cardiovascular phenotype. Last evaluated: 2023-01-19. Review status: criteria provided, single submitter. Criteria: Ambry Variant Classification Scheme 2023. Collection method: clinical testing. Allele origin: germline.
Comment: The p.R1666W variant (also known as c.4996C>T), located in coding exon 23 of the DSP gene, results from a C to T substitution at nucleotide position 4996. The arginine at codon 1666 is replaced by tryptophan, an amino acid with dissimilar properties. This variant has been detected in a cohort that underwent genetic testing for arrhythmogenic right ventricular cardiomyopathy, and co-occurred with a frameshift variant in the TTN gene in an individual from a dilated cardiomyopathy cohort (Walsh R et al. Genet Med, 2017 Feb;19:192-203; Saito T et al. ESC Heart Fail, 2021 Dec;8:5178-5191). This amino acid position is not well conserved in available vertebrate species. In addition, the in silico prediction for this alteration is inconclusive. Since supporting evidence is limited at this time, the clinical significance of this alteration remains unclear.

Literature cited by the submitters: PubMed 34486814 (cited by 3 submitters); PubMed 27532257 (cited by Ambry Genetics); PubMed 31402444 (cited by Ambry Genetics).